The following is an entry in ClinVar:

ClinVar aggregate classification (germline): Conflicting classifications of pathogenicity. Review status: criteria provided, conflicting classifications (1 of 4 stars). 3 submissions from 3 submitters: Uncertain significance (1); Benign (1); Likely benign (1). Last evaluated 2024-12-01.

Allele frequency attached by ClinVar (database versions not stated): 1000 Genomes Project 30x 0.00016; 1000 Genomes Project 0.00020; gnomAD 0.00091; TOPMed 0.00091; ESP Exome Variant Server 0.00096; ExAC 0.00161.
gnomAD v4.1: 1,341 of 1,503,566 alleles (0.089%); highest among the groups gnomAD compares: Middle Eastern, 0.35%; 2 homozygotes.

Submissions (3):

CeGaT Center for Human Genetics Tuebingen
Classification: Benign. Last evaluated: 2024-12-01. Review status: criteria provided, single submitter. Criteria: CeGaT Center For Human Genetics Tuebingen Variant Classification Criteria Version 2. Collection method: clinical testing. Allele origin: germline. Affected: yes. Observed: 5 variant alleles.
Comment: BICRA: BS1, BS2

Blueprint Genetics
Classification: Likely benign. Last evaluated: 2024-11-26. Review status: criteria provided, single submitter. Criteria: ACMG Guidelines, 2015. Collection method: clinical testing. Allele origin: germline.

Ambry Genetics
Classification: Uncertain significance. Last evaluated: 2023-06-05. Review status: criteria provided, single submitter. Criteria: Ambry Variant Classification Scheme 2023. Collection method: clinical testing. Allele origin: germline.

NM_001394372.1(BICRA):c.3029C>T (p.Pro1010Leu)

Gene: BICRA (BRD4 interacting chromatin remodeling complex associated protein; plus strand). Cytogenetic location: 19q13.33.
Variant type: single nucleotide variant.
Coding change: c.3029C>T on transcript NM_001394372.1 (MANE Select); coding-DNA position 3029, C replaced by T.
Protein change: p.Pro1010Leu; replaces proline 1010 with leucine.
Molecular consequence: missense variant.
Genome position (GRCh38, 1-based): chr19:47,695,033, C>T. VCF-style: chr19-47695033-C-T. GRCh37 (hg19) VCF-style: chr19-48198290-C-T.
Other names: c.3029C>T, p.Pro1010Leu (NM_015711.3); short protein forms P1010L.
Identifiers: ClinVar variation 2567046 (VCV002567046.27), dbSNP rs200735162, ClinGen allele CA9542072.